The following is an entry in ClinVar:

NM_000202.8(IDS):c.1093G>T (p.Gly365Ter)

Genes: IDS (iduronate 2-sulfatase; minus strand), LOC106050102 (IDS recombination region; plus strand). Cytogenetic location: Xq28.
Variant type: single nucleotide variant.
Coding change: c.1093G>T on transcript NM_000202.8 (MANE Select); coding-DNA position 1093, G replaced by T.
Protein change: p.Gly365Ter; replaces glycine 365 with a stop codon.
Molecular consequence: nonsense.
Genome position (GRCh38, 1-based): chrX:149,487,012, C>A on the plus strand (G>T on the coding strand, the complement: IDS is on the minus strand). VCF-style: chrX-149487012-C-A. GRCh37 (hg19) VCF-style: chrX-148568543-C-A.
Other names: c.823G>T, p.Gly275Ter (NM_001166550.4); short protein forms G275*, G365*.
Identifiers: ClinVar variation 3255964 (VCV003255964.2).

ClinVar aggregate classification (germline): Pathogenic (1 of 4 stars; one submission).

Conditions:
Mucopolysaccharidosis, MPS-II (MPS2). Also called: Hunter Syndrome; IDURONATE 2-SULFATASE DEFICIENCY; Mucopolysaccharidosis Type II; Mucopolysaccharidosis type 2; Attenuated MPS (subtype; formerly known as mild MPS II); Severe MPS II. Identifiers: Orphanet 580, Orphanet 79388, MedGen C0026705, MONDO:0010674, OMIM 309900.

Submission:

Laboratory of Diagnosis and Therapy of Lysosomal Disorders, University of Padova
Classification: Pathogenic for Mucopolysaccharidosis, MPS-II. Last evaluated: 2024-06-07. Review status: criteria provided, single submitter. Criteria: ACMG Guidelines, 2015. Collection method: literature only. Allele origin: germline. Affected: yes. Observed: 2 variant alleles.
Comment: Null variant (PVS1_VeryStrong), Absent from controls (or at low frequency) in gnomAD database (PM2_Moderate), Patient’s phenotype or family history highly specific for the disease (PP4_Strong)

Classification method: ACMG Guidelines [PMID:25741868] with modifications

Literature cited by the submitters: PubMed 27246110; PubMed 8940265.